The following is an entry in ClinVar:

ClinVar aggregate classification (germline): Uncertain significance (1 of 4 stars; one submission).

Conditions:
EP300-related disorder. Also called: EP300-related condition; EP300-related disorders.

Submission:

PreventionGenetics, part of Exact Sciences
Classification: Uncertain significance for EP300-related condition. Last evaluated: 2024-10-24. Review status: criteria provided, single submitter. Criteria: ACMG Guidelines, 2015. Collection method: clinical testing. Allele origin: germline.
Comment: The EP300 c.6562A>G variant is predicted to result in the amino acid substitution p.Met2188Val. To our knowledge, this variant has not been reported in the literature or in a large population database (gnomAD), indicating this variant is rare. At this time, the clinical significance of this variant is uncertain due to the absence of conclusive functional and genetic evidence.

NM_001429.4(EP300):c.6562A>G (p.Met2188Val)

Gene: EP300 (EP300 lysine acetyltransferase; plus strand). Cytogenetic location: 22q13.2.
Variant type: single nucleotide variant.
Coding change: c.6562A>G on transcript NM_001429.4 (MANE Select); coding-DNA position 6562, A replaced by G.
Protein change: p.Met2188Val; replaces methionine 2188 with valine.
Molecular consequence: missense variant.
Genome position (GRCh38, 1-based): chr22:41,178,273, A>G. VCF-style: chr22-41178273-A-G. GRCh37 (hg19) VCF-style: chr22-41574277-A-G.
Other names: c.6484A>G, p.Met2162Val (NM_001362843.2); short protein forms M2188V, M2162V.
Identifiers: ClinVar variation 4988098 (VCV004988098.1).
Genomic context (GRCh38, chr22:41,178,273, plus strand): 5'-ATGAACATGAACCACAACACCATGCCTTCACAATTCCGAGACATCTTGAGACGACAGCAA[A>G]TGATGCAACAGCAGCAGCAACAGGGAGCAGGGCCAGGAATAGGCCCTGGAATGGCCAACC-3'
Protein context (NP_001420.2, residues 2178-2198): QFRDILRRQQ[Met2188Val]MQQQQQQGAG